The following is an entry in ClinVar:

ClinVar aggregate classification (germline): Pathogenic. Review status: criteria provided, multiple submitters, no conflicts (2 of 4 stars). 4 submissions from 4 submitters: Pathogenic (4). Last evaluated 2025-09-16.

Conditions:
LEMD3-related disorder. Also called: LEMD3-related condition.

Allele frequency attached by ClinVar (database versions not stated): gnomAD exomes below 0.00001.
gnomAD v4.1: 1 of 1,614,228 alleles (0.000062%); highest among the groups gnomAD compares: Non-Finnish European, 0.000085%; no homozygotes.

Submissions (4):

Labcorp Genetics (formerly Invitae), Labcorp
Classification: Pathogenic. Last evaluated: 2025-09-16. Review status: criteria provided, single submitter. Criteria: Invitae Variant Classification Sherloc (09022015). Collection method: clinical testing. Allele origin: germline.
Comment: This sequence change creates a premature translational stop signal (p.Tyr441*) in the LEMD3 gene. It is expected to result in an absent or disrupted protein product. Loss-of-function variants in LEMD3 are known to be pathogenic (PMID: 15489854, 19438932). This variant is not present in population databases (gnomAD no frequency). This premature translational stop signal has been observed in individuals with Buschke-Ollendorff syndrome (PMID: 16470551, 17087626). ClinVar contains an entry for this variant (Variation ID: 1458224). For these reasons, this variant has been classified as Pathogenic.

Laboratory of Genetics, Children's Clinical University Hospital Latvia
Classification: Pathogenic. Last evaluated: 2025-02-16. Review status: criteria provided, single submitter. Criteria: ACMG Guidelines, 2015. Collection method: clinical testing. Allele origin: germline. Affected: yes.

PreventionGenetics, part of Exact Sciences
Classification: Pathogenic for LEMD3-related condition. Last evaluated: 2023-05-10. Review status: criteria provided, single submitter. Criteria: ACMG Guidelines, 2015. Collection method: clinical testing. Allele origin: germline.
Comment: The LEMD3 c.1323C>A variant is predicted to result in premature protein termination (p.Tyr441*). This variant has been reported in several individuals with Buschke-Ollendorff syndrome (Hellemans et al 2006. PubMed ID: 16470551; Mumm S et al 2007. PubMed ID: 17087626; Grelet M et al 2019. PubMed ID: 31829210). This variant has not been reported in a large population database, indicating this variant is rare. Nonsense variants in LEMD3 are expected to be pathogenic. This variant is interpreted as pathogenic.

Blueprint Genetics
Classification: Pathogenic for LEMD3-related disorders. Last evaluated: 2022-11-29. Review status: criteria provided, single submitter. Criteria: ACMG Guidelines, 2015. Collection method: clinical testing. Allele origin: germline. Affected: yes. Observed: 3 variant alleles.

Literature cited by the submitters: PubMed 15489854 (cited by Labcorp Genetics (formerly Invitae), Labcorp); PubMed 19438932 (cited by Labcorp Genetics (formerly Invitae), Labcorp); PubMed 16470551 (cited by Labcorp Genetics (formerly Invitae), Labcorp); PubMed 17087626 (cited by Labcorp Genetics (formerly Invitae), Labcorp).

NM_014319.5(LEMD3):c.1323C>A (p.Tyr441Ter)

Gene: LEMD3 (LEM domain containing 3; plus strand). Cytogenetic location: 12q14.3.
Variant type: single nucleotide variant.
Coding change: c.1323C>A on transcript NM_014319.5 (MANE Select); coding-DNA position 1323, C replaced by A.
Protein change: p.Tyr441Ter; replaces tyrosine 441 with a stop codon.
Molecular consequence: nonsense.
Genome position (GRCh38, 1-based): chr12:65,170,919, C>A. VCF-style: chr12-65170919-C-A. GRCh37 (hg19) VCF-style: chr12-65564699-C-A.
Other names: c.1323C>A, p.Tyr441Ter (NM_001167614.2); c.1323C>A (NM_014319.4); short protein forms Y441*.
Identifiers: ClinVar variation 1458224 (VCV001458224.8), dbSNP rs2136313585, ClinGen allele CA385675784.